The following is an entry in ClinVar:

ClinVar aggregate classification (germline): Likely pathogenic. Review status: criteria provided, multiple submitters, no conflicts (2 of 4 stars). 3 submissions from 3 submitters: Likely pathogenic (3). Last evaluated 2025-08-29.

Conditions:
Hypophosphatasia. Also called: Phosphoethanol-aminuria. Identifiers: Orphanet 436, MedGen C0020630, MeSH D007014, MONDO:0018570.

Allele frequency attached by ClinVar (database versions not stated): TOPMed below 0.00001.

Submissions (3):

Genomenon, Inc
Classification: Likely pathogenic for Hypophosphatasia. Last evaluated: 2025-08-29. Review status: criteria provided, single submitter. Criteria: Genomenon Sequence Variant Interpretation Standards. Collection method: curation. Allele origin: germline. Affected: yes.
Comment: ALPL c.919C>T is a missense variant that changes the amino acid at residue 307 from Proline to Serine. This variant has been observed in at least one proband affected with hypophosphatasia (PMID:37107680). It is absent or not present at a significant frequency in gnomAD. In silico models agree that this variant is possibly or probably damaging. The presence of pathogenic missense variant(s) at the same amino acid position indicates that this residue is likely important for protein function. In conclusion, we classify ALPL p.Pro307Ser (c.919C>T) as a likely pathogenic variant.

Natera, Inc.
Classification: Likely pathogenic for Hypophosphatasia. Last evaluated: 2024-07-05. Review status: criteria provided, single submitter. Criteria: Natera Variant Classification Schema (03/2026). Collection method: clinical testing. Allele origin: germline.
Comment: The c.919C>T variant in ALPL is a missense variant predicted to cause substitution of proline to serine at amino acid 307. This variant is rare in the general population with a frequency below the threshold expected for the associated phenotype(s). This variant has been observed in one or more individuals affected with the associated recessive disease, as either homozygous or compound heterozygous with a second variant (PMID: 32973344). A different variant at the same position has been determined to be Pathogenic or Likely Pathogenic. Computational prediction algorithms indicate this variant is likely to affect gene or protein function. Given the available evidence, this variant is classified as Likely Pathogenic.

Labcorp Genetics (formerly Invitae), Labcorp
Classification: Likely pathogenic. Last evaluated: 2023-10-16. Review status: criteria provided, single submitter. Criteria: Invitae Variant Classification Sherloc (09022015). Collection method: clinical testing. Allele origin: germline.
Comment: This sequence change replaces proline, which is neutral and non-polar, with serine, which is neutral and polar, at codon 307 of the ALPL protein (p.Pro307Ser). This variant is not present in population databases (gnomAD no frequency). This variant has not been reported in the literature in individuals affected with ALPL-related conditions. Advanced modeling of protein sequence and biophysical properties (such as structural, functional, and spatial information, amino acid conservation, physicochemical variation, residue mobility, and thermodynamic stability) performed at Invitae indicates that this missense variant is expected to disrupt ALPL protein function. This variant disrupts the p.Pro307 amino acid residue in ALPL. Other variant(s) that disrupt this residue have been determined to be pathogenic (PMID: 21342251, 32160374, 32981126). This suggests that this residue is clinically significant, and that variants that disrupt this residue are likely to be disease-causing. In summary, the currently available evidence indicates that the variant is pathogenic, but additional data are needed to prove that conclusively. Therefore, this variant has been classified as Likely Pathogenic.

Literature cited by the submitters: PubMed 37107680 (cited by Genomenon, Inc); PubMed 32973344 (cited by Natera, Inc.); PubMed 21342251 (cited by Labcorp Genetics (formerly Invitae), Labcorp); PubMed 32160374 (cited by Labcorp Genetics (formerly Invitae), Labcorp); PubMed 32981126 (cited by Labcorp Genetics (formerly Invitae), Labcorp).

NM_000478.6(ALPL):c.919C>T (p.Pro307Ser)

Gene: ALPL (alkaline phosphatase, biomineralization associated; plus strand). Cytogenetic location: 1p36.12.
Variant type: single nucleotide variant.
Coding change: c.919C>T on transcript NM_000478.6 (MANE Select); coding-DNA position 919, C replaced by T.
Protein change: p.Pro307Ser; replaces proline 307 with serine.
Molecular consequence: missense variant.
Genome position (GRCh38, 1-based): chr1:21,573,721, C>T. VCF-style: chr1-21573721-C-T. GRCh37 (hg19) VCF-style: chr1-21900214-C-T.
Other names: c.754C>T, p.Pro252Ser (NM_001127501.4); c.688C>T, p.Pro230Ser (NM_001177520.3); c.919C>T, p.Pro307Ser (NM_001369803.2, NM_001369804.2, NM_001369805.2); c.919C>T (NM_000478.5); short protein forms P252S, P230S, P307S.
Identifiers: ClinVar variation 2733843 (VCV002733843.5), dbSNP rs1644685487, ClinGen allele CA338880286.